The following is an entry in ClinVar:

ClinVar aggregate classification (germline): Uncertain significance. Review status: criteria provided, multiple submitters, no conflicts (2 of 4 stars). 3 submissions from 3 submitters: Uncertain significance (3). Last evaluated 2023-11-07.

Conditions:
Neonatal-onset encephalopathy with rigidity and seizures. Also called: Lethal neonatal spasticity-epileptic encephalopathy syndrome. Identifiers: Orphanet 435845, MedGen C3281029, MONDO:0013784, OMIM 614498.

Allele frequency attached by ClinVar (database versions not stated): ExAC below 0.00001; gnomAD 0.00003 and 0.00005; TOPMed 0.00006.
gnomAD v4.1: 45 of 1,565,574 alleles (0.0029%); highest among the groups gnomAD compares: African/African-American, 0.011%; no homozygotes.

Submissions (3):

Blueprint Genetics
Classification: Uncertain significance. Last evaluated: 2023-11-07. Review status: criteria provided, single submitter. Criteria: ACMG Guidelines, 2015. Collection method: clinical testing. Allele origin: germline.

Labcorp Genetics (formerly Invitae), Labcorp
Classification: Uncertain significance for Neonatal-onset encephalopathy with rigidity and seizures. Last evaluated: 2022-07-26. Review status: criteria provided, single submitter. Criteria: Invitae Variant Classification Sherloc (09022015). Collection method: clinical testing. Allele origin: germline.
Comment: This sequence change replaces threonine, which is neutral and polar, with methionine, which is neutral and non-polar, at codon 331 of the BRAT1 protein (p.Thr331Met). The frequency data for this variant in the population databases is considered unreliable, as metrics indicate poor data quality at this position in the gnomAD database. This variant has not been reported in the literature in individuals affected with BRAT1-related conditions. ClinVar contains an entry for this variant (Variation ID: 540165). Algorithms developed to predict the effect of missense changes on protein structure and function are either unavailable or do not agree on the potential impact of this missense change (SIFT: "Deleterious"; PolyPhen-2: "Possibly Damaging"; Align-GVGD: "Class C0"). In summary, the available evidence is currently insufficient to determine the role of this variant in disease. Therefore, it has been classified as a Variant of Uncertain Significance.

Breakthrough Genomics
Classification: Uncertain significance. Review status: criteria provided, single submitter. Criteria: ACMG Guidelines, 2015. Collection method: not provided. Allele origin: germline. Inheritance: Autosomal recessive inheritance. Affected: yes.

NM_152743.4(BRAT1):c.992C>T (p.Thr331Met)

Gene: BRAT1 (BRCA1 associated ATM activator 1; minus strand). Cytogenetic location: 7p22.3.
Variant type: single nucleotide variant.
Coding change: c.992C>T on transcript NM_152743.4 (MANE Select); coding-DNA position 992, C replaced by T.
Protein change: p.Thr331Met; replaces threonine 331 with methionine.
Molecular consequence: missense variant. On other transcripts: non-coding transcript variant (1).
Genome position (GRCh38, 1-based): chr7:2,542,143, G>A on the plus strand (C>T on the coding strand, the complement: BRAT1 is on the minus strand). VCF-style: chr7-2542143-G-A. GRCh37 (hg19) VCF-style: chr7-2581777-G-A.
Other names: c.992C>T, p.Thr331Met (NM_001350626.2); c.467C>T, p.Thr156Met (NM_001350627.2); short protein forms T331M, T156M.
Identifiers: ClinVar variation 540165 (VCV000540165.7), dbSNP rs773976867, ClinGen allele CA4127981.